The following is an entry in ClinVar:

ClinVar aggregate classification (germline): Uncertain significance. Review status: criteria provided, multiple submitters, no conflicts (2 of 4 stars). 2 submissions from 2 submitters: Uncertain significance (2). Last evaluated 2026-09-06.

Conditions:
Cardiovascular phenotype. Identifiers: MedGen CN230736.
Long QT syndrome (LQTS). Identifiers: MedGen C0023976, MeSH D008133, MONDO:0002442. Disease mechanism: loss of function. Inheritance: Various modes of inheritance.

Submissions (2):

Ambry Genetics
Classification: Uncertain significance for Cardiovascular phenotype. Last evaluated: 2026-09-06. Review status: criteria provided, single submitter. Criteria: Ambry Variant Classification Scheme 2023. Collection method: clinical testing. Allele origin: germline.
Comment: The p.Q1525P variant (also known as c.4574A>C), located in coding exon 37 of the CACNA1C gene, results from an A to C substitution at nucleotide position 4574. The glutamine at codon 1525 is replaced by proline, an amino acid with similar properties. This amino acid position is conserved. In addition, this alteration is predicted to be deleterious by in silico analysis. Based on the available evidence, the clinical significance of this variant remains unclear.

Labcorp Genetics (formerly Invitae), Labcorp
Classification: Uncertain significance for Long QT syndrome. Last evaluated: 2020-10-27. Review status: criteria provided, single submitter. Criteria: Invitae Variant Classification Sherloc (09022015). Collection method: clinical testing. Allele origin: germline.
Comment: In summary, the available evidence is currently insufficient to determine the role of this variant in disease. Therefore, it has been classified as a Variant of Uncertain Significance. Algorithms developed to predict the effect of missense changes on protein structure and function are either unavailable or do not agree on the potential impact of this missense change (SIFT: "Tolerated"; PolyPhen-2: "Possibly Damaging"; Align-GVGD: "Class C0"). This variant has not been reported in the literature in individuals with CACNA1C-related conditions. This variant is not present in population databases (ExAC no frequency). This sequence change replaces glutamine with proline at codon 1525 of the CACNA1C protein (p.Gln1525Pro). The glutamine residue is moderately conserved and there is a moderate physicochemical difference between glutamine and proline.

NM_000719.7(CACNA1C):c.4574A>C (p.Gln1525Pro)

Gene: CACNA1C (calcium voltage-gated channel subunit alpha1 C; plus strand). Cytogenetic location: 12p13.33.
Variant type: single nucleotide variant.
Coding change: c.4574A>C on transcript NM_000719.7 (MANE Select); coding-DNA position 4574, A replaced by C.
Protein change: p.Gln1525Pro; replaces glutamine 1525 with proline.
Molecular consequence: missense variant.
Genome position (GRCh38, 1-based): chr12:2,666,733, A>C. VCF-style: chr12-2666733-A-C. GRCh37 (hg19) VCF-style: chr12-2775899-A-C.
Other names: c.4574A>C (NM_000719.6); c.4718A>C, p.Gln1573Pro (NM_001129827.2, NM_199460.4); c.4640A>C, p.Gln1547Pro (NM_001129829.2); c.4574A>C, p.Gln1525Pro (NM_001129830.3, NM_001129833.2, NM_001129834.2 and 7 more transcripts); c.4658A>C, p.Gln1553Pro (NM_001129831.2); c.4634A>C, p.Gln1545Pro (NM_001129832.2); c.4625A>C, p.Gln1542Pro (NM_001129836.2); c.4541A>C, p.Gln1514Pro (NM_001129837.2, NM_001129838.2, NM_001129846.2 and 1 more transcripts); and 2 more; short protein forms Q1512P, Q1514P, Q1522P, Q1525P, Q1542P, Q1545P, Q1547P, Q1553P.
Identifiers: ClinVar variation 1062283 (VCV001062283.10), dbSNP rs2153713256, ClinGen allele CA383376507.